The following is an entry in ClinVar:

ClinVar aggregate classification (germline): VUS-high (1 of 4 stars; one submission).

Conditions:
Megabladder, congenital. Identifiers: MedGen C5231472, MONDO:0032879, OMIM 618719.

Submission:

Molecular Genetics laboratory, Necker Hospital
Classification: VUS-high for Megabladder, congenital. Last evaluated: 2026-05-05. Review status: criteria provided, single submitter. Criteria: ACMG Guidelines (Richards and al, 2015). Collection method: clinical testing. Allele origin: unknown. Affected: no. Observed: 1 variant allele, 1 heterozygote.
Comment: This variant is absent from general population databases (gnomAD v4 and AllofUs). It is predicted to be deleterious by SIFT, Polyphen 2, AlphaMissense, REVEL, ClinPred and Mistic. It has never been reported in the literature. No familial segregation is possible. Based on this evidence, variant c.797A>C is classified as a variant of uncertain significance.

NM_001146312.3(MYOCD):c.797A>C (p.His266Pro)

Gene: MYOCD (myocardin; plus strand). Cytogenetic location: 17p12.
Variant type: single nucleotide variant.
Coding change: c.797A>C on transcript NM_001146312.3 (MANE Select); coding-DNA position 797, A replaced by C.
Protein change: p.His266Pro; replaces histidine 266 with proline.
Molecular consequence: missense variant.
Genome position (GRCh38, 1-based): chr17:12,744,262, A>C. VCF-style: chr17-12744262-A-C. GRCh37 (hg19) VCF-style: chr17-12647579-A-C.
Other names: NC_000017.11:g.12744262A>C; c.560A>C, p.His187Pro (NM_001378306.1); c.797A>C, p.His266Pro (NM_153604.4); short protein forms H187P, H266P.
Identifiers: ClinVar variation 4850547 (VCV004850547.1).